The following is an entry in ClinVar:

ClinVar aggregate classification (germline): Uncertain significance. Review status: criteria provided, multiple submitters, no conflicts (2 of 4 stars). 4 submissions from 4 submitters: Uncertain significance (4). Last evaluated 2026-03-07.

Conditions:
Hereditary cancer-predisposing syndrome. Also called: Hereditary neoplastic syndrome; Tumor predisposition; Neoplastic Syndromes, Hereditary; Hereditary Cancer Syndrome. Identifiers: Orphanet 140162, MedGen C0027672, MeSH D009386, MONDO:0015356.
Hereditary diffuse gastric adenocarcinoma (HDGC). Also called: DIFFUSE GASTRIC AND LOBULAR BREAST CANCER SYNDROME. Identifiers: Orphanet 26106, MedGen C1708349, MONDO:0007648, OMIM 137215.

Allele frequency attached by ClinVar (database versions not stated): gnomAD exomes below 0.00001.
gnomAD v4.1: 1 of 1,614,254 alleles (0.000062%); highest among the groups gnomAD compares: Non-Finnish European, 0.000085%; no homozygotes.

Submissions (4):

Ambry Genetics
Classification: Uncertain significance for Hereditary cancer-predisposing syndrome. Last evaluated: 2026-03-07. Review status: criteria provided, single submitter. Criteria: Ambry Variant Classification Scheme 2023. Collection method: clinical testing. Allele origin: germline.
Comment: The p.T506I variant (also known as c.1517C>T), located in coding exon 10 of the CDH1 gene, results from a C to T substitution at nucleotide position 1517. The threonine at codon 506 is replaced by isoleucine, an amino acid with similar properties. This amino acid position is conserved. In addition, this alteration is predicted to be tolerated by in silico analysis. Based on the available evidence, the clinical significance of this variant remains unclear.

Labcorp Genetics (formerly Invitae), Labcorp
Classification: Uncertain significance for Hereditary diffuse gastric adenocarcinoma. Last evaluated: 2025-12-20. Review status: criteria provided, single submitter. Criteria: Invitae Variant Classification Sherloc (09022015). Collection method: clinical testing. Allele origin: germline.
Comment: This sequence change replaces threonine, which is neutral and polar, with isoleucine, which is neutral and non-polar, at codon 506 of the CDH1 protein (p.Thr506Ile). This variant is not present in population databases (gnomAD no frequency). This variant has not been reported in the literature in individuals affected with CDH1-related conditions. ClinVar contains an entry for this variant (Variation ID: 1331827). An algorithm developed to predict the effect of missense changes on protein structure and function (PolyPhen-2) suggests that this variant is likely to be tolerated. In summary, the available evidence is currently insufficient to determine the role of this variant in disease. Therefore, it has been classified as a Variant of Uncertain Significance.

Color Diagnostics, LLC DBA Color Health
Classification: Uncertain significance for Hereditary cancer-predisposing syndrome. Last evaluated: 2023-12-04. Review status: criteria provided, single submitter. Criteria: ACMG Guidelines, 2015. Collection method: clinical testing. Allele origin: germline.
Comment: This missense variant replaces threonine with isoleucine at codon 506 of the CDH1 protein. To our knowledge, functional studies have not been reported for this variant. This variant has not been reported in individuals affected with hereditary cancer in the literature. This variant has not been identified in the general population by the Genome Aggregation Database (gnomAD). The available evidence is insufficient to determine the role of this variant in disease conclusively. Therefore, this variant is classified as a Variant of Uncertain Significance.

GeneDx
Classification: Uncertain significance. Last evaluated: 2022-08-17. Review status: criteria provided, single submitter. Criteria: GeneDx Variant Classification Process June 2021. Collection method: clinical testing. Allele origin: germline. Affected: yes.
Comment: Not observed at significant frequency in large population cohorts (gnomAD); In silico analysis supports that this missense variant has a deleterious effect on protein structure/function; Has not been previously published as pathogenic or benign to our knowledge; This variant is associated with the following publications: (PMID: 15235021, 22850631)

NM_004360.5(CDH1):c.1517C>T (p.Thr506Ile)

Gene: CDH1 (cadherin 1; plus strand). Cytogenetic location: 16q22.1.
Variant type: single nucleotide variant.
Coding change: c.1517C>T on transcript NM_004360.5 (MANE Select); coding-DNA position 1517, C replaced by T.
Protein change: p.Thr506Ile; replaces threonine 506 with isoleucine.
Molecular consequence: missense variant. On other transcripts: 5 prime UTR variant (2).
Genome position (GRCh38, 1-based): chr16:68,815,711, C>T. VCF-style: chr16-68815711-C-T. GRCh37 (hg19) VCF-style: chr16-68849614-C-T.
Other names: c.1517C>T (NM_004360.3); c.1334C>T, p.Thr445Ile (NM_001317184.2); c.-32C>T (NM_001317185.2); c.-303C>T (NM_001317186.2); short protein forms T445I, T506I.
Identifiers: ClinVar variation 1331827 (VCV001331827.10), dbSNP rs1960969012, ClinGen allele CA396463359.